The following is an entry in ClinVar:

ClinVar aggregate classification (germline): Uncertain significance. Review status: criteria provided, multiple submitters, no conflicts (2 of 4 stars). 3 submissions from 3 submitters: Uncertain significance (3). Last evaluated 2026-05-28.

Conditions:
Primary ciliary dyskinesia. Also called: Ciliary dyskinesia. Identifiers: Orphanet 244, MedGen C0008780, MONDO:0016575, HP:0012265.

Allele frequency attached by ClinVar (database versions not stated): gnomAD 0.00003 and 0.00004; ExAC 0.00004; gnomAD exomes 0.00005; ESP Exome Variant Server 0.00008.
gnomAD v4.1: 56 of 1,613,874 alleles (0.0035%); highest among the groups gnomAD compares: Non-Finnish European, 0.0043%; no homozygotes.

Submissions (3):

Ambry Genetics
Classification: Uncertain significance for Primary ciliary dyskinesia. Last evaluated: 2026-05-28. Review status: criteria provided, single submitter. Criteria: Ambry Variant Classification Scheme 2023. Collection method: clinical testing. Allele origin: germline.
Comment: The p.D652N variant (also known as c.1954G>A), located in coding exon 11 of the DNAAF1 gene, results from a G to A substitution at nucleotide position 1954. The aspartic acid at codon 652 is replaced by asparagine, an amino acid with highly similar properties. This amino acid position is conserved. In addition, this alteration is predicted to be tolerated by in silico analysis. Based on the available evidence, the clinical significance of this variant remains unclear.

Labcorp Genetics (formerly Invitae), Labcorp
Classification: Uncertain significance for Primary ciliary dyskinesia. Last evaluated: 2025-10-13. Review status: criteria provided, single submitter. Criteria: Invitae Variant Classification Sherloc (09022015). Collection method: clinical testing. Allele origin: germline.
Comment: This sequence change replaces aspartic acid, which is acidic and polar, with asparagine, which is neutral and polar, at codon 652 of the DNAAF1 protein (p.Asp652Asn). This variant is present in population databases (rs113845425, gnomAD 0.01%). This variant has not been reported in the literature in individuals affected with DNAAF1-related conditions. ClinVar contains an entry for this variant (Variation ID: 1443890). An algorithm developed to predict the effect of missense changes on protein structure and function (PolyPhen-2) suggests that this variant is likely to be tolerated. In summary, the available evidence is currently insufficient to determine the role of this variant in disease. Therefore, it has been classified as a Variant of Uncertain Significance.

Blueprint Genetics
Classification: Uncertain significance. Last evaluated: 2024-09-17. Review status: criteria provided, single submitter. Criteria: ACMG Guidelines, 2015. Collection method: clinical testing. Allele origin: germline.

NM_178452.6(DNAAF1):c.1954G>A (p.Asp652Asn)

Gene: DNAAF1 (dynein axonemal assembly factor 1; plus strand). Cytogenetic location: 16q24.1.
Variant type: single nucleotide variant.
Coding change: c.1954G>A on transcript NM_178452.6 (MANE Select); coding-DNA position 1954, G replaced by A.
Protein change: p.Asp652Asn; replaces aspartic acid 652 with asparagine.
Molecular consequence: missense variant.
Genome position (GRCh38, 1-based): chr16:84,176,188, G>A. VCF-style: chr16-84176188-G-A. GRCh37 (hg19) VCF-style: chr16-84209794-G-A.
Other names: c.1954G>A (NM_178452.4); c.1246G>A, p.Asp416Asn (NM_001318756.1); short protein forms D416N, D652N.
Identifiers: ClinVar variation 1443890 (VCV001443890.9), dbSNP rs113845425, ClinGen allele CA8203063.
Genomic context (GRCh38, chr16:84,176,188, plus strand): 5'-GACTTGGAAATCCGAAAACAAGACACCAAGTCCCCAAGACCCCTGATCCAGGAGCTCAGC[G>A]ACGAGGACCCCTCTGGCCAGCTACTGATGCCCCCCACCTGCCAAAGAGATGCTGCACCAC-3'
Protein context (NP_848547.4, residues 642-662): SPRPLIQELS[Asp652Asn]EDPSGQLLMP